The following is an entry in ClinVar:

ClinVar aggregate classification (germline): Uncertain significance (1 of 4 stars; one submission).

Submission:

Labcorp Genetics (formerly Invitae), Labcorp
Classification: Uncertain significance. Last evaluated: 2024-05-13. Review status: criteria provided, single submitter. Criteria: Invitae Variant Classification Sherloc (09022015). Collection method: clinical testing. Allele origin: germline.
Comment: This sequence change replaces leucine, which is neutral and non-polar, with valine, which is neutral and non-polar, at codon 1878 of the MTOR protein (p.Leu1878Val). This variant is not present in population databases (gnomAD no frequency). This variant has not been reported in the literature in individuals affected with MTOR-related conditions. Advanced modeling of protein sequence and biophysical properties (such as structural, functional, and spatial information, amino acid conservation, physicochemical variation, residue mobility, and thermodynamic stability) performed at Invitae indicates that this missense variant is not expected to disrupt MTOR protein function with a negative predictive value of 95%. In summary, the available evidence is currently insufficient to determine the role of this variant in disease. Therefore, it has been classified as a Variant of Uncertain Significance.

NM_004958.4(MTOR):c.5632C>G (p.Leu1878Val)

Gene: MTOR (mechanistic target of rapamycin kinase; minus strand). Cytogenetic location: 1p36.22.
Variant type: single nucleotide variant.
Coding change: c.5632C>G on transcript NM_004958.4 (MANE Select); coding-DNA position 5632, C replaced by G.
Protein change: p.Leu1878Val; replaces leucine 1878 with valine.
Molecular consequence: missense variant.
Genome position (GRCh38, 1-based): chr1:11,129,820, G>C on the plus strand (C>G on the coding strand, the complement: MTOR is on the minus strand). VCF-style: chr1-11129820-G-C. GRCh37 (hg19) VCF-style: chr1-11189877-G-C.
Other names: c.5632C>G, p.Leu1878Val (NM_001386500.1); c.4384C>G, p.Leu1462Val (NM_001386501.1); short protein forms L1878V, L1462V.
Identifiers: ClinVar variation 3633480 (VCV003633480.2).
Genomic context (GRCh38, chr1:11,129,820, plus strand): 5'-TGCCTCGTGACAAGGAGATGGAACGGAAGAAGCCCTGGACGGCAGGCACCGTGTACATCA[G>C]GAGGGTTTTGGACAGATCCTGTTGGAACACACACGTGTTAGCGACACTCTTGCCTCTGCT-3'
Protein context (NP_004949.1, residues 1868-1888): KVTEDLSKTL[Leu1878Val]MYTVPAVQGF